The following is an entry in ClinVar:

NM_001386140.1(MTTP):c.2658G>T (p.Pro886=)

Gene: MTTP (microsomal triglyceride transfer protein; plus strand). Cytogenetic location: 4q23.
Variant type: single nucleotide variant.
Coding change: c.2658G>T on transcript NM_001386140.1 (MANE Select); coding-DNA position 2658, G replaced by T.
Protein change: p.Pro886=; no amino-acid change (proline 886 retained).
Molecular consequence: synonymous variant.
Genome position (GRCh38, 1-based): chr4:99,622,821, G>T. VCF-style: chr4-99622821-G-T. GRCh37 (hg19) VCF-style: chr4-100543978-G-T.
Other names: c.2658G>T, p.Pro886= (NM_000253.4); c.2409G>T, p.Pro803= (NM_001300785.2).
Identifiers: ClinVar variation 3778572 (VCV003778572.7).

ClinVar aggregate classification (germline): Likely benign (1 of 4 stars; one submission).

Submission:

CeGaT Center for Human Genetics Tuebingen
Classification: Likely benign. Last evaluated: 2025-03-01. Review status: criteria provided, single submitter. Criteria: CeGaT Center For Human Genetics Tuebingen Variant Classification Criteria Version 2. Collection method: clinical testing. Allele origin: germline. Affected: yes. Observed: 1 variant allele.
Comment: MTTP: PM2:Supporting, BP4, BP7